The following is an entry in ClinVar:

NC_000012.11:g.(?_21620458)_(21636518_?)dup

Genes: PYROXD1 (pyridine nucleotide-disulphide oxidoreductase domain 1; plus strand), RECQL (RecQ like helicase; minus strand). Cytogenetic location: 12p12.1.
Variant type: Duplication.
Identifiers: ClinVar variation 3244382 (VCV003244382.1).

ClinVar aggregate classification (germline): Uncertain significance (1 of 4 stars; one submission).

Submission:

Labcorp Genetics (formerly Invitae), Labcorp
Classification: Uncertain significance. Last evaluated: 2023-02-27. Review status: criteria provided, single submitter. Criteria: Invitae Variant Classification Sherloc (09022015). Collection method: clinical testing. Allele origin: unknown.
Comment: This variant results in a copy number gain of the genomic region encompassing exon(s) 6-15 of the RECQL gene. This region includes the termination codon of the gene. This copy number gain extends beyond the assayed region for this gene and therefore may encompass additional genes. As the precise location of this event is unknown, it may be in tandem or it may be located elsewhere in the genome. This variant has not been reported in the literature in individuals affected with RECQL-related conditions. Experimental studies and prediction algorithms are not available or were not evaluated, and the functional significance of this variant is currently unknown. In summary, the available evidence is currently insufficient to determine the role of this variant in disease. Therefore, it has been classified as a Variant of Uncertain Significance.